The following is an entry in ClinVar:

NM_005026.5(PIK3CD):c.1100C>T (p.Ser367Leu)

Genes: PIK3CD (phosphatidylinositol-4,5-bisphosphate 3-kinase catalytic subunit delta; plus strand), LOC126805612 (MED14-independent group 3 enhancer GRCh37_chr1:9778914-9780113; plus strand). Cytogenetic location: 1p36.22.
Variant type: single nucleotide variant.
Coding change: c.1100C>T on transcript NM_005026.5 (MANE Select); coding-DNA position 1100, C replaced by T.
Protein change: p.Ser367Leu; replaces serine 367 with leucine.
Molecular consequence: missense variant.
Genome position (GRCh38, 1-based): chr1:9,718,773, C>T. VCF-style: chr1-9718773-C-T. GRCh37 (hg19) VCF-style: chr1-9778831-C-T.
Other names: c.1100C>T, p.Ser367Leu (NM_001350234.2); c.1013C>T, p.Ser338Leu (NM_001350235.1); short protein forms S338L, S367L.
Identifiers: ClinVar variation 2180805 (VCV002180805.6), dbSNP rs375873391, ClinGen allele CA577091.

ClinVar aggregate classification (germline): Uncertain significance. Review status: criteria provided, multiple submitters, no conflicts (2 of 4 stars). 3 submissions from 3 submitters: Uncertain significance (3). Last evaluated 2026-07-01.

Conditions:
Immunodeficiency 14 (IMD14A). Also called: IMMUNODEFICIENCY 14A WITH LYMPHOPROLIFERATION, AUTOSOMAL DOMINANT; p110-DELTA-ACTIVATING MUTATION CAUSING SENESCENT T CELLS, LYMPHADENOPATHY, AND IMMUNODEFICIENCY; ACTIVATED PI3K-DELTA SYNDROME 1; Activated PI3K Delta Syndrome Type 1 (APDS1). Identifiers: Orphanet 397596, Orphanet 693661, MedGen C5907821, MONDO:0014222, OMIM 615513.
PIK3CD-related disorder. Also called: PIK3CD-related condition.

Allele frequency attached by ClinVar (database versions not stated): gnomAD exomes 0.00004; ExAC 0.00006; ESP Exome Variant Server 0.00008; gnomAD 0.00001; TOPMed 0.00003.
gnomAD v4.1: 60 of 1,610,962 alleles (0.0037%); highest among the groups gnomAD compares: Admixed American, 0.028%; no homozygotes.

Submissions (3):

CeGaT Center for Human Genetics Tuebingen
Classification: Uncertain significance. Last evaluated: 2026-07-01. Review status: criteria provided, single submitter. Criteria: CeGaT Center For Human Genetics Tuebingen Variant Classification Criteria Version 2. Collection method: clinical testing. Allele origin: germline. Affected: yes. Observed: 1 variant allele.
Comment: PIK3CD: PM2

Labcorp Genetics (formerly Invitae), Labcorp
Classification: Uncertain significance for Activated PI3K-delta syndrome. Last evaluated: 2025-04-27. Review status: criteria provided, single submitter. Criteria: Invitae Variant Classification Sherloc (09022015). Collection method: clinical testing. Allele origin: germline.
Comment: This sequence change replaces serine, which is neutral and polar, with leucine, which is neutral and non-polar, at codon 367 of the PIK3CD protein (p.Ser367Leu). This variant is present in population databases (rs375873391, gnomAD 0.04%), and has an allele count higher than expected for a pathogenic variant. This variant has not been reported in the literature in individuals affected with PIK3CD-related conditions. ClinVar contains an entry for this variant (Variation ID: 2180805). Invitae Evidence Modeling of protein sequence and biophysical properties (such as structural, functional, and spatial information, amino acid conservation, physicochemical variation, residue mobility, and thermodynamic stability) indicates that this missense variant is expected to disrupt PIK3CD protein function with a positive predictive value of 80%. In summary, the available evidence is currently insufficient to determine the role of this variant in disease. Therefore, it has been classified as a Variant of Uncertain Significance.

PreventionGenetics, part of Exact Sciences
Classification: Uncertain significance for PIK3CD-related condition. Last evaluated: 2024-12-03. Review status: criteria provided, single submitter. Criteria: ACMG Guidelines, 2015. Collection method: clinical testing. Allele origin: germline.
Comment: The PIK3CD c.1100C>T variant is predicted to result in the amino acid substitution p.Ser367Leu. This variant has been reported in the heterozygous state in an individual with Epstein-Barr virus-associated hemophagocytes lymphohistocytosis (EBV-HLH). However this variant was reported to be paternally inherited and of uncertain significance in that patient (Patient 4, Zhang et al. 2018. PubMed ID: 32851276). This variant is reported in 0.046% of alleles in individuals of Latino descent in gnomAD, which may be to common to be causative. Although we suspect that this variant may be benign, at this time, the clinical significance of this variant is uncertain due to the absence of conclusive functional and genetic evidence.